The following is an entry in ClinVar:

NM_000310.4(PPT1):c.731_732dup (p.Gly245fs)

Gene: PPT1 (palmitoyl-protein thioesterase 1; minus strand). Cytogenetic location: 1p34.2.
Variant type: Duplication.
Coding change: c.731_732dup on transcript NM_000310.4 (MANE Select); coding-DNA positions 731 to 732, 2 bases duplicated (TT; older notation c.731_732dupTT).
Protein change: p.Gly245fs; shifts the reading frame from glycine 245.
Molecular consequence: frameshift variant. On other transcripts: intron variant (1).
Genome position (GRCh38, 1-based): chr1:40,076,908-40,076,909, AA duplicated on the plus strand (TT on the coding strand, the reverse complement: PPT1 is on the minus strand); duplicating any 2 consecutive bases within chr1:40,076,908-40,076,910 gives the same sequence; the c. name uses the placement nearest the transcript's 3' end. VCF-style (leftmost placement, unchanged base first): chr1-40076907-C-CAA. GRCh37 (hg19) VCF-style: chr1-40542579-C-CAA.
Other names: c.422_423dup, p.Gly142fs (NM_001142604.2); c.726+1651_726+1652dup (NM_001363695.2); short protein forms G245fs, G142fs.
Identifiers: ClinVar variation 5004462 (VCV005004462.1).

ClinVar aggregate classification (germline): Pathogenic (1 of 4 stars; one submission).

Conditions:
Neuronal ceroid lipofuscinosis 1 (CLN1). Also called: CEROID LIPOFUSCINOSIS, NEURONAL, 1, VARIABLE AGE AT ONSET; PPT1-Related Neuronal Ceroid-Lipofuscinosis. Identifiers: Orphanet 228329, MedGen C1850451, MONDO:0009744, OMIM 256730.

Submission:

Myriad Genetics, Inc.
Classification: Pathogenic for Neuronal ceroid lipofuscinosis 1. Last evaluated: 2026-02-10. Review status: criteria provided, single submitter. Criteria: Myriad Autosomal Dominant, Autosomal Recessive and X-Linked Classification Criteria (2023). Collection method: clinical testing. Allele origin: unknown.
Comment: NM_000310.3(PPT1):c.731_732dupTT(G245Lfs*28) is a frameshift variant classified as pathogenic in the context of neuronal ceroid lipofuscinosis, PPT1-related. G245Lfs*28 has not been observed in cases with relevant disease. Relevant functional assessments of this variant are not available in the literature. G245Lfs*28 has not been observed in referenced population frequency databases. In summary, NM_000310.3(PPT1):c.731_732dupTT(G245Lfs*28) is a frameshift variant in a gene where loss of function is a known mechanism of disease and is predicted to disrupt protein function. Please note: this variant was assessed in the context of healthy population screening.